The following is an entry in ClinVar:

ClinVar aggregate classification (germline): Likely benign. Review status: criteria provided, single submitter (1 of 4 stars). 2 submissions from 2 submitters: Likely benign (1). 1 of the submissions does not count toward it. Last evaluated 2025-04-28.

Conditions:
RGS9-related disorder. Also called: RGS9-related condition.

Allele frequency attached by ClinVar (database versions not stated): TOPMed 0.00002.
gnomAD v4.1: 16 of 1,606,588 alleles (0.001%); highest among the groups gnomAD compares: African/African-American, 0.0013%; no homozygotes.

Submissions (2):

Labcorp Genetics (formerly Invitae), Labcorp
Classification: Likely benign. Last evaluated: 2025-04-28. Review status: criteria provided, single submitter. Criteria: Invitae Variant Classification Sherloc (09022015). Collection method: clinical testing. Allele origin: germline.

PreventionGenetics, part of Exact Sciences
Classification: Likely benign for RGS9-related condition. Last evaluated: 2024-02-13. Review status: no assertion criteria provided. Collection method: clinical testing. Allele origin: germline. Not counted in ClinVar's aggregate classification.
Comment: This variant is classified as likely benign based on ACMG/AMP sequence variant interpretation guidelines (Richards et al. 2015 PMID: 25741868, with internal and published modifications).

NM_003835.4(RGS9):c.977-7C>A

Gene: RGS9 (regulator of G protein signaling 9; plus strand). Cytogenetic location: 17q24.1.
Variant type: single nucleotide variant.
Coding change: c.977-7C>A on transcript NM_003835.4 (MANE Select); 7 bases into the intron before coding-DNA position 977, C replaced by A.
Molecular consequence: intron variant.
Genome position (GRCh38, 1-based): chr17:65,201,986, C>A. VCF-style: chr17-65201986-C-A. GRCh37 (hg19) VCF-style: chr17-63198104-C-A.
Other names: c.968-7C>A (NM_001081955.3, NM_001165933.2).
Identifiers: ClinVar variation 850826 (VCV000850826.11), dbSNP rs756695488, ClinGen allele CA293063093.
Genomic context (GRCh38, chr17:65,201,986, plus strand): 5'-TTCCTCTTTTCTTCTTCCAACTTATTTCCTGCCCGGCCCTCATCCACGTGGACTTCTCAC[C>A]ATGCAGGAGAGAATCTGGGATTCTGGGAAGCCTGCGAGGATCTGAAGTATGGAGATCAGT-3'